The following is an entry in ClinVar:

ClinVar aggregate classification (germline): Uncertain significance. Review status: criteria provided, multiple submitters, no conflicts (2 of 4 stars). 2 submissions from 2 submitters: Uncertain significance (2). Last evaluated 2022-05-02.

Conditions:
Primary ciliary dyskinesia 13. Also called: CILIARY DYSKINESIA, PRIMARY, 13, WITH OR WITHOUT SITUS INVERSUS. Identifiers: Orphanet 244, MedGen C2750790, MONDO:0013174, OMIM 613193.
Primary ciliary dyskinesia. Also called: Ciliary dyskinesia. Identifiers: Orphanet 244, MedGen C0008780, MONDO:0016575, HP:0012265.

Allele frequency attached by ClinVar (database versions not stated): gnomAD 0.00002 and 0.00003; gnomAD exomes 0.00004 and 0.00002; ExAC 0.00005; ESP Exome Variant Server 0.00008; TOPMed 0.00002.
gnomAD v4.1: 35 of 1,613,826 alleles (0.0022%); highest among the groups gnomAD compares: East Asian, 0.016%; no homozygotes.

Submissions (3):

Fulgent Genetics
Classification: Uncertain significance for Primary ciliary dyskinesia 13. Last evaluated: 2022-05-02. Review status: criteria provided, single submitter. Criteria: ACMG Guidelines, 2015. Collection method: clinical testing. Allele origin: unknown.

Labcorp Genetics (formerly Invitae), Labcorp
Classification: Uncertain significance for Primary ciliary dyskinesia. Last evaluated: 2019-07-09. Review status: criteria provided, single submitter. Criteria: Invitae Variant Classification Sherloc (09022015). Collection method: clinical testing. Allele origin: germline.
Comment: In summary, the available evidence is currently insufficient to determine the role of this variant in disease. Therefore, it has been classified as a Variant of Uncertain Significance. Algorithms developed to predict the effect of missense changes on protein structure and function output the following: SIFT: "Tolerated"; PolyPhen-2: "Benign"; Align-GVGD: "Class C0". The glutamine amino acid residue is found in multiple mammalian species, suggesting that this missense change does not adversely affect protein function. These predictions have not been confirmed by published functional studies and their clinical significance is uncertain. This variant has been observed in an individual with open lumbar sacral spina bifida (PMID: 27543293). This variant is present in population databases (rs372901697, ExAC 0.02%). This sequence change replaces arginine with glutamine at codon 618 of the DNAAF1 protein (p.Arg618Gln). The arginine residue is weakly conserved and there is a small physicochemical difference between arginine and glutamine.

Dr. Peter K. Rogan Lab, Western University
No classification provided (evidence only). Condition: Sarcoma. Review status: no classification provided. Collection method: in vitro. Allele origin: not applicable. Functional consequence: retained intron. Not counted in ClinVar's aggregate classification.

Literature cited by the submitters: PubMed 27543293 (cited by Labcorp Genetics (formerly Invitae), Labcorp).

NM_178452.6(DNAAF1):c.1853G>A (p.Arg618Gln)

Gene: DNAAF1 (dynein axonemal assembly factor 1; plus strand). Cytogenetic location: 16q24.1.
Variant type: single nucleotide variant.
Coding change: c.1853G>A on transcript NM_178452.6 (MANE Select); coding-DNA position 1853, G replaced by A.
Protein change: p.Arg618Gln; replaces arginine 618 with glutamine.
Molecular consequence: missense variant.
Genome position (GRCh38, 1-based): chr16:84,176,087, G>A. VCF-style: chr16-84176087-G-A. GRCh37 (hg19) VCF-style: chr16-84209693-G-A.
Other names: c.1145G>A, p.Arg382Gln (NM_001318756.1); short protein forms R382Q, R618Q.
Identifiers: ClinVar variation 935653 (VCV000935653.10), dbSNP rs372901697, ClinGen allele CA8203049.